The following is an entry in ClinVar:

NM_172369.5(C1QC):c.587C>T (p.Thr196Met)

Gene: C1QC (complement C1q C chain; plus strand). Cytogenetic location: 1p36.12.
Variant type: single nucleotide variant.
Coding change: c.587C>T on transcript NM_172369.5 (MANE Select); coding-DNA position 587, C replaced by T.
Protein change: p.Thr196Met; replaces threonine 196 with methionine.
Molecular consequence: missense variant.
Genome position (GRCh38, 1-based): chr1:22,647,632, C>T. VCF-style: chr1-22647632-C-T. GRCh37 (hg19) VCF-style: chr1-22974125-C-T.
Other names: c.587C>T, p.Thr196Met (NM_001114101.3, NM_001347619.2); c.320C>T, p.Thr107Met (NM_001347620.2); c.587C>T (NM_172369.3); short protein forms T107M, T196M.
Identifiers: ClinVar variation 1415841 (VCV001415841.6), dbSNP rs776530672, ClinGen allele CA678018.

ClinVar aggregate classification (germline): Conflicting classifications of pathogenicity. Review status: criteria provided, conflicting classifications (1 of 4 stars). 3 submissions from 3 submitters: Uncertain significance (1); Likely benign (2). Last evaluated 2023-12-28.

Conditions:
Inborn genetic diseases. Identifiers: MedGen C0950123, MeSH D030342.

Allele frequency attached by ClinVar (database versions not stated): ExAC 0.00003; gnomAD 0.00004; gnomAD exomes 0.00004; TOPMed 0.00005; 1000 Genomes Project 30x 0.00016.

Submissions (3):

Ambry Genetics
Classification: Likely benign for Inborn genetic diseases. Last evaluated: 2023-12-28. Review status: criteria provided, single submitter. Criteria: Ambry Variant Classification Scheme 2023. Collection method: clinical testing. Allele origin: germline.

Blueprint Genetics
Classification: Likely benign. Last evaluated: 2022-04-04. Review status: criteria provided, single submitter. Criteria: ACMG Guidelines, 2015. Collection method: clinical testing. Allele origin: germline.

Labcorp Genetics (formerly Invitae), Labcorp
Classification: Uncertain significance. Last evaluated: 2021-11-04. Review status: criteria provided, single submitter. Criteria: Invitae Variant Classification Sherloc (09022015). Collection method: clinical testing. Allele origin: germline.
Comment: In summary, the available evidence is currently insufficient to determine the role of this variant in disease. Therefore, it has been classified as a Variant of Uncertain Significance. Algorithms developed to predict the effect of missense changes on protein structure and function output the following: SIFT: "Tolerated"; PolyPhen-2: "Benign"; Align-GVGD: "Class C0". The methionine amino acid residue is found in multiple mammalian species, which suggests that this missense change does not adversely affect protein function. This variant has not been reported in the literature in individuals affected with C1QC-related conditions. This variant is present in population databases (rs776530672, gnomAD 0.007%). This sequence change replaces threonine, which is neutral and polar, with methionine, which is neutral and non-polar, at codon 196 of the C1QC protein (p.Thr196Met).